The following is an entry in ClinVar:

NM_000878.5(IL2RB):c.819-2_832del

Gene: IL2RB (interleukin 2 receptor subunit beta; minus strand). Cytogenetic location: 22q12.3.
Variant type: Deletion.
Coding change: c.819-2_832del on transcript NM_000878.5 (MANE Select); the canonical splice acceptor site of the intron before coding-DNA position 819 through coding-DNA position 832, 16 bases deleted (AGGCTGAAGAAGGTCC).
Molecular consequence: splice acceptor variant.
Genome position (GRCh38, 1-based): chr22:37,132,455-37,132,470, GGACCTTCTTCAGCCT deleted on the plus strand (AGGCTGAAGAAGGTCC on the coding strand, the reverse complement: IL2RB is on the minus strand); deleting any 16 consecutive bases within chr22:37,132,455-37,132,474 gives the same sequence; the c. name uses the placement nearest the transcript's 3' end. VCF-style (leftmost placement, unchanged base first): chr22-37132454-AGGACCTTCTTCAGCCT-A. GRCh37 (hg19) VCF-style: chr22-37528494-AGGACCTTCTTCAGCCT-A.
Other names: c.819-2_832del (NM_001346222.1, NM_001346223.2).
Identifiers: ClinVar variation 2743756 (VCV002743756.3), dbSNP rs2517835875, ClinGen allele CA2697552753.

ClinVar aggregate classification (germline): Likely pathogenic (1 of 4 stars; one submission).

Submission:

Labcorp Genetics (formerly Invitae), Labcorp
Classification: Likely pathogenic. Last evaluated: 2024-07-15. Review status: criteria provided, single submitter. Criteria: Invitae Variant Classification Sherloc (09022015). Collection method: clinical testing. Allele origin: germline.
Comment: This variant results in the deletion of part of exon 9 (c.819-2_832del) of the IL2RB gene. It is expected to disrupt RNA splicing. Variants that disrupt the donor or acceptor splice site typically lead to a loss of protein function (PMID: 16199547), and loss-of-function variants in IL2RB are known to be pathogenic (PMID: 31040185). This variant is not present in population databases (gnomAD no frequency). This variant has not been reported in the literature in individuals affected with IL2RB-related conditions. In summary, the currently available evidence indicates that the variant is pathogenic, but additional data are needed to prove that conclusively. Therefore, this variant has been classified as Likely Pathogenic.

Literature cited by the submitters: PubMed 16199547; PubMed 31040185.